The following is an entry in ClinVar:

NM_000441.2(SLC26A4):c.1741_1742del (p.Arg581fs)

Gene: SLC26A4 (solute carrier family 26 member 4; plus strand). Cytogenetic location: 7q22.3.
Variant type: Microsatellite.
Coding change: c.1741_1742del on transcript NM_000441.2 (MANE Select); coding-DNA positions 1741 to 1742, 2 bases deleted (AG; older notation c.1741_1742delAG).
Protein change: p.Arg581fs; shifts the reading frame from arginine 581.
Molecular consequence: frameshift variant.
Genome position (GRCh38, 1-based): chr7:107,701,134-107,701,135, AG deleted; deleting any 2 consecutive bases within chr7:107,701,132-107,701,135 gives the same sequence; the c. name uses the placement nearest the transcript's 3' end. VCF-style (leftmost placement, unchanged base first): chr7-107701131-AAG-A. GRCh37 (hg19) VCF-style: chr7-107341576-AAG-A.
Other names: short protein forms R581fs.
Identifiers: ClinVar variation 552487 (VCV000552487.6), dbSNP rs1554360841, ClinGen allele CA658821810.

ClinVar aggregate classification (germline): Pathogenic/Likely pathogenic. Review status: criteria provided, multiple submitters, no conflicts (2 of 4 stars). 3 submissions from 3 submitters: Pathogenic (1); Likely pathogenic (1). 1 of the submissions does not count toward it. Last evaluated 2024-01-19.

Conditions:
Autosomal recessive nonsyndromic hearing loss 4 (DFNB4). Also called: Enlarged vestibular aqueduct, digenic; FOXI1-Related Pendred Syndrome; KCNJ10-Related Pendred Syndrome; DEAFNESS, AUTOSOMAL RECESSIVE 4, WITH ENLARGED VESTIBULAR AQUEDUCT, DIGENIC; Deafness, autosomal recessive 4; Nonsyndromic enlarged vestibular aqueduct (NSEVA). Identifiers: Orphanet 90636, MedGen C3538946, MONDO:0010933, OMIM 600791.
Pendred syndrome (PDS). Also called: DEAFNESS WITH GOITER; GOITER-DEAFNESS SYNDROME; Pendred Syndrome (PDS); HYPOTHYROIDISM, CONGENITAL, DUE TO DYSHORMONOGENESIS, 2B; THYROID DYSHORMONOGENESIS 2B; THYROID HORMONOGENESIS, GENETIC DEFECT IN, 2B. Identifiers: Orphanet 705, MedGen C0271829, MONDO:0010134, OMIM 274600.

Submissions (3):

Fulgent Genetics
Classification: Likely pathogenic for Pendred syndrome; Autosomal recessive nonsyndromic hearing loss 4. Last evaluated: 2024-01-19. Review status: criteria provided, single submitter. Criteria: ACMG Guidelines, 2015. Collection method: clinical testing. Allele origin: germline.

Labcorp Genetics (formerly Invitae), Labcorp
Classification: Pathogenic. Last evaluated: 2023-01-16. Review status: criteria provided, single submitter. Criteria: Invitae Variant Classification Sherloc (09022015). Collection method: clinical testing. Allele origin: germline.
Comment: This variant has not been reported in the literature in individuals affected with SLC26A4-related conditions. For these reasons, this variant has been classified as Pathogenic. ClinVar contains an entry for this variant (Variation ID: 552487). This variant is not present in population databases (gnomAD no frequency). This sequence change creates a premature translational stop signal (p.Arg581Alafs*26) in the SLC26A4 gene. It is expected to result in an absent or disrupted protein product. Loss-of-function variants in SLC26A4 are known to be pathogenic (PMID: 16283880, 25394566, 26252218, 26445815).

Counsyl
Classification: Likely pathogenic for Pendred syndrome. Last evaluated: 2017-06-13. Review status: no assertion criteria provided. Collection method: clinical testing. Allele origin: unknown. Not counted in ClinVar's aggregate classification.

Literature cited by the submitters: PubMed 16283880 (cited by Labcorp Genetics (formerly Invitae), Labcorp); PubMed 25394566 (cited by Labcorp Genetics (formerly Invitae), Labcorp); PubMed 26252218 (cited by Labcorp Genetics (formerly Invitae), Labcorp); PubMed 26445815 (cited by Labcorp Genetics (formerly Invitae), Labcorp).